The following is an entry in ClinVar:

NM_005762.3(TRIM28):c.12C>T (p.Ser4=)

Genes: TRIM28 (tripartite motif containing 28; plus strand), LOC130065238 (ATAC-STARR-seq lymphoblastoid silent region 11092; plus strand). Cytogenetic location: 19q13.43.
Variant type: single nucleotide variant.
Coding change: c.12C>T on transcript NM_005762.3 (MANE Select); coding-DNA position 12, C replaced by T.
Protein change: p.Ser4=; no amino-acid change (serine 4 retained).
Molecular consequence: synonymous variant.
Genome position (GRCh38, 1-based): chr19:58,544,769, C>T. VCF-style: chr19-58544769-C-T. GRCh37 (hg19) VCF-style: chr19-59056136-C-T.
Identifiers: ClinVar variation 2650592 (VCV002650592.25), dbSNP rs1335999248, ClinGen allele CA509310012.

ClinVar aggregate classification (germline): Likely benign. Review status: criteria provided, multiple submitters, no conflicts (2 of 4 stars). 2 submissions from 2 submitters: Likely benign (2). Last evaluated 2025-07-29.

Allele frequency attached by ClinVar (database versions not stated): gnomAD exomes 0.00001; TOPMed 0.00002.

Submissions (2):

Labcorp Genetics (formerly Invitae), Labcorp
Classification: Likely benign. Last evaluated: 2025-07-29. Review status: criteria provided, single submitter. Criteria: Invitae Variant Classification Sherloc (09022015). Collection method: clinical testing. Allele origin: germline.

CeGaT Center for Human Genetics Tuebingen
Classification: Likely benign. Last evaluated: 2022-10-01. Review status: criteria provided, single submitter. Criteria: CeGaT Center For Human Genetics Tuebingen Variant Classification Criteria Version 2. Collection method: clinical testing. Allele origin: germline. Affected: yes. Observed: 1 variant allele.
Comment: TRIM28: BP4, BP7